The following is an entry in ClinVar:

NM_001014999.3(SLX1A):c.738C>T (p.Asp246=)

Genes: SLX1A (structure-specific endonuclease subunit SLX1A; plus strand), SLX1A-SULT1A3 (SLX1A-SULT1A3 readthrough (NMD candidate); plus strand). Cytogenetic location: 16p11.2.
Variant type: single nucleotide variant.
Coding change: c.738C>T on transcript NM_001014999.3 (MANE Select); coding-DNA position 738, C replaced by T.
Protein change: p.Asp246=; no amino-acid change (aspartic acid 246 retained).
Molecular consequence: synonymous variant. On other transcripts: non-coding transcript variant (1).
Genome position (GRCh38, 1-based): chr16:30,197,297, C>T. VCF-style: chr16-30197297-C-T. GRCh37 (hg19) VCF-style: chr16-30208618-C-T.
Other names: c.396C>T, p.Asp132= (NM_001015000.2).
Identifiers: ClinVar variation 2646381 (VCV002646381.24), dbSNP rs201044062, ClinGen allele CA8003523.

ClinVar aggregate classification (germline): Likely benign (1 of 4 stars; one submission).

Allele frequency attached by ClinVar (database versions not stated): ESP Exome Variant Server 0.00098; gnomAD 0.00187; 1000 Genomes Project 30x 0.00219; ExAC 0.00425.

Submission:

CeGaT Center for Human Genetics Tuebingen
Classification: Likely benign. Last evaluated: 2026-04-01. Review status: criteria provided, single submitter. Criteria: CeGaT Center For Human Genetics Tuebingen Variant Classification Criteria Version 2. Collection method: clinical testing. Allele origin: germline. Affected: yes. Observed: 3 variant alleles.
Comment: SLX1A: BP4, BP7